The following is an entry in ClinVar:

ClinVar aggregate classification (germline): Uncertain significance (1 of 4 stars; one submission).

Conditions:
RASopathy. Also called: Noonan spectrum disorder; rasopathies. Identifiers: Orphanet 536391, MedGen C5555857, MONDO:0021060.

Allele frequency attached by ClinVar (database versions not stated): TOPMed 0.00002.
gnomAD v4.1: 3 of 1,551,382 alleles (0.00019%); highest among the groups gnomAD compares: Non-Finnish European, 0.00026%; no homozygotes.

Submission:

Labcorp Genetics (formerly Invitae), Labcorp
Classification: Uncertain significance for RASopathy. Last evaluated: 2024-07-05. Review status: criteria provided, single submitter. Criteria: Invitae Variant Classification Sherloc (09022015). Collection method: clinical testing. Allele origin: germline.
Comment: This sequence change replaces arginine, which is basic and polar, with leucine, which is neutral and non-polar, at codon 397 of the MAP2K2 protein (p.Arg397Leu). This variant is not present in population databases (gnomAD no frequency). This variant has not been reported in the literature in individuals affected with MAP2K2-related conditions. Advanced modeling of protein sequence and biophysical properties (such as structural, functional, and spatial information, amino acid conservation, physicochemical variation, residue mobility, and thermodynamic stability) performed at Invitae indicates that this missense variant is not expected to disrupt MAP2K2 protein function with a negative predictive value of 95%. In summary, the available evidence is currently insufficient to determine the role of this variant in disease. Therefore, it has been classified as a Variant of Uncertain Significance.

NM_030662.4(MAP2K2):c.1190G>T (p.Arg397Leu)

Gene: MAP2K2 (mitogen-activated protein kinase kinase 2; minus strand). Cytogenetic location: 19p13.3.
Variant type: single nucleotide variant.
Coding change: c.1190G>T on transcript NM_030662.4 (MANE Select); coding-DNA position 1190, G replaced by T.
Protein change: p.Arg397Leu; replaces arginine 397 with leucine.
Molecular consequence: missense variant.
Genome position (GRCh38, 1-based): chr19:4,090,611, C>A on the plus strand (G>T on the coding strand, the complement: MAP2K2 is on the minus strand). VCF-style: chr19-4090611-C-A. GRCh37 (hg19) VCF-style: chr19-4090609-C-A.
Other names: short protein forms R397L.
Identifiers: ClinVar variation 2870053 (VCV002870053.3), dbSNP rs751040819, ClinGen allele CA304445698.